The following is an entry in ClinVar:

NM_006206.6(PDGFRA):c.2579A>G (p.Lys860Arg)

Gene: PDGFRA (platelet derived growth factor receptor alpha; plus strand). Cytogenetic location: 4q12.
Variant type: single nucleotide variant.
Coding change: c.2579A>G on transcript NM_006206.6 (MANE Select); coding-DNA position 2579, A replaced by G.
Protein change: p.Lys860Arg; replaces lysine 860 with arginine.
Molecular consequence: missense variant.
Genome position (GRCh38, 1-based): chr4:54,287,446, A>G. VCF-style: chr4-54287446-A-G. GRCh37 (hg19) VCF-style: chr4-55153613-A-G.
Other names: c.2654A>G, p.Lys885Arg (NM_001347828.2); c.2579A>G, p.Lys860Arg (NM_001347829.2); c.2618A>G, p.Lys873Arg (NM_001347830.2); short protein forms K860R, K873R, K885R.
Identifiers: ClinVar variation 1793337 (VCV001793337.17), dbSNP rs762269030, ClinGen allele CA2922910.

ClinVar aggregate classification (germline): Uncertain significance. Review status: criteria provided, multiple submitters, no conflicts (2 of 4 stars). 3 submissions from 3 submitters: Uncertain significance (3). Last evaluated 2023-12-13.

Conditions:
Hereditary cancer-predisposing syndrome. Also called: Neoplastic Syndromes, Hereditary; Tumor predisposition; Hereditary Cancer Syndrome; Hereditary neoplastic syndrome. Identifiers: Orphanet 140162, MedGen C0027672, MeSH D009386, MONDO:0015356.
Gastrointestinal stromal tumor. Also called: Gastrointestinal stromal tumor, somatic; Gastrointestinal stroma tumor. Identifiers: Orphanet 44890, MedGen C0238198, MeSH D046152, MONDO:0011719, OMIM 606764, HP:0100723.

Allele frequency attached by ClinVar (database versions not stated): ExAC 0.00001.

Submissions (4):

Labcorp Genetics (formerly Invitae), Labcorp
Classification: Uncertain significance for Gastrointestinal stromal tumor. Last evaluated: 2023-12-13. Review status: criteria provided, single submitter. Criteria: Invitae Variant Classification Sherloc (09022015). Collection method: clinical testing. Allele origin: germline.
Comment: This sequence change replaces lysine, which is basic and polar, with arginine, which is basic and polar, at codon 860 of the PDGFRA protein (p.Lys860Arg). This variant is present in population databases (rs762269030, gnomAD 0.0009%). This variant has not been reported in the literature in individuals affected with PDGFRA-related conditions. ClinVar contains an entry for this variant (Variation ID: 1793337). Advanced modeling of protein sequence and biophysical properties (such as structural, functional, and spatial information, amino acid conservation, physicochemical variation, residue mobility, and thermodynamic stability) has been performed at Invitae for this missense variant, however the output from this modeling did not meet the statistical confidence thresholds required to predict the impact of this variant on PDGFRA protein function. In summary, the available evidence is currently insufficient to determine the role of this variant in disease. Therefore, it has been classified as a Variant of Uncertain Significance.

GeneDx
Classification: Uncertain significance. Last evaluated: 2023-11-02. Review status: criteria provided, single submitter. Criteria: GeneDx Variant Classification Process June 2021. Collection method: clinical testing. Allele origin: germline. Affected: yes.
Comment: Not observed at significant frequency in large population cohorts (gnomAD); In silico analysis supports that this missense variant has a deleterious effect on protein structure/function; Has not been previously published as pathogenic or benign to our knowledge

Ambry Genetics
Classification: Uncertain significance for Hereditary cancer-predisposing syndrome. Last evaluated: 2022-02-05. Review status: criteria provided, single submitter. Criteria: Ambry Variant Classification Scheme 2023. Collection method: clinical testing. Allele origin: germline.
Comment: The p.K860R variant (also known as c.2579A>G), located in coding exon 18 of the PDGFRA gene, results from an A to G substitution at nucleotide position 2579. The lysine at codon 860 is replaced by arginine, an amino acid with highly similar properties. This amino acid position is conserved. In addition, the in silico prediction for this alteration is inconclusive. Since supporting evidence is limited at this time, the clinical significance of this alteration remains unclear.

Dr. Peter K. Rogan Lab, Western University
No classification provided (evidence only). Condition: Cervical cancer. Review status: no classification provided. Collection method: in vitro. Allele origin: not applicable. Functional consequence: retained intron. Not counted in ClinVar's aggregate classification.